The following is an entry in ClinVar:

ClinVar aggregate classification (germline): Uncertain significance. Review status: criteria provided, multiple submitters, no conflicts (2 of 4 stars). 4 submissions from 4 submitters: Uncertain significance (4). Last evaluated 2022-11-14.

Conditions:
Microcephaly 3, primary, autosomal recessive. Identifiers: Orphanet 2512, MedGen C1858108, MONDO:0011488, OMIM 604804.

Allele frequency attached by ClinVar (database versions not stated): 1000 Genomes Project 30x 0.00016; gnomAD 0.00019; 1000 Genomes Project 0.00020; ExAC 0.00020; TOPMed 0.00021; gnomAD exomes 0.00023 and 0.00038; ESP Exome Variant Server 0.00038.
gnomAD v4.1: 582 of 1,614,182 alleles (0.036%); highest among the groups gnomAD compares: Non-Finnish European, 0.046%; no homozygotes.

Submissions (4):

Department of Pathology and Laboratory Medicine, Sinai Health System
Classification: Uncertain significance for Microcephaly 3, primary, autosomal recessive. Last evaluated: 2022-11-14. Review status: criteria provided, single submitter. Criteria: ACMG Guidelines, 2015. Collection method: research. Allele origin: germline.

Labcorp Genetics (formerly Invitae), Labcorp
Classification: Uncertain significance. Last evaluated: 2022-08-04. Review status: criteria provided, single submitter. Criteria: Invitae Variant Classification Sherloc (09022015). Collection method: clinical testing. Allele origin: germline.
Comment: This sequence change replaces phenylalanine, which is neutral and non-polar, with leucine, which is neutral and non-polar, at codon 1833 of the CDK5RAP2 protein (p.Phe1833Leu). This variant is present in population databases (rs189396476, gnomAD 0.04%). This missense change has been observed in individual(s) with clinical features of CDK5RAP2-related conditions (PMID: 31316545). ClinVar contains an entry for this variant (Variation ID: 364744). Algorithms developed to predict the effect of missense changes on protein structure and function are either unavailable or do not agree on the potential impact of this missense change (SIFT: "Tolerated"; PolyPhen-2: "Possibly Damaging"; Align-GVGD: "Class C0"). In summary, the available evidence is currently insufficient to determine the role of this variant in disease. Therefore, it has been classified as a Variant of Uncertain Significance.

GeneDx
Classification: Uncertain significance. Last evaluated: 2022-03-16. Review status: criteria provided, single submitter. Criteria: GeneDx Variant Classification Process June 2021. Collection method: clinical testing. Allele origin: germline. Affected: yes.
Comment: In silico analysis supports that this missense variant has a deleterious effect on protein structure/function; This variant is associated with the following publications: (PMID: 31316545)

Illumina Laboratory Services, Illumina
Classification: Uncertain significance for Microcephaly 3, primary, autosomal recessive. Last evaluated: 2018-01-13. Review status: criteria provided, single submitter. Criteria: ICSL Variant Classification Criteria 13 December 2019. Collection method: clinical testing. Allele origin: germline.

Literature cited by the submitters: PubMed 31316545 (cited by Labcorp Genetics (formerly Invitae), Labcorp).

NM_018249.6(CDK5RAP2):c.5499T>G (p.Phe1833Leu)

Gene: CDK5RAP2 (CDK5 regulatory subunit associated protein 2; minus strand). Cytogenetic location: 9q33.2.
Variant type: single nucleotide variant.
Coding change: c.5499T>G on transcript NM_018249.6 (MANE Select); coding-DNA position 5499, T replaced by G.
Protein change: p.Phe1833Leu; replaces phenylalanine 1833 with leucine.
Molecular consequence: missense variant. On other transcripts: non-coding transcript variant (5).
Genome position (GRCh38, 1-based): chr9:120,394,591, A>C on the plus strand (T>G on the coding strand, the complement: CDK5RAP2 is on the minus strand). VCF-style: chr9-120394591-A-C. GRCh37 (hg19) VCF-style: chr9-123156869-A-C.
Other names: c.5262T>G, p.Phe1754Leu (NM_001011649.3); c.4809T>G, p.Phe1603Leu (NM_001272039.2); short protein forms F1833L, F1603L, F1754L.
Identifiers: ClinVar variation 364744 (VCV000364744.8), dbSNP rs189396476, ClinGen allele CA5213250.